The following is an entry in ClinVar:

ClinVar aggregate classification (germline): Uncertain significance. Review status: criteria provided, single submitter (1 of 4 stars). 2 submissions from 2 submitters: Uncertain significance (1). 1 of the submissions does not count toward it. Last evaluated 2021-09-01.

Conditions:
Bardet-Biedl syndrome (BBS). Identifiers: Orphanet 110, MedGen C0752166, MONDO:0015229.
Bardet-Biedl syndrome 10 (BBS10). Identifiers: Orphanet 110, MedGen C1859568, MONDO:0014438, OMIM 615987.

Allele frequency attached by ClinVar (database versions not stated): gnomAD 0.00001; TOPMed 0.00001.
gnomAD v4.1: 3 of 1,613,938 alleles (0.00019%); highest among the groups gnomAD compares: Non-Finnish European, 0.00025%; no homozygotes.

Submissions (2):

Labcorp Genetics (formerly Invitae), Labcorp
Classification: Uncertain significance for Bardet-Biedl syndrome. Last evaluated: 2021-09-01. Review status: criteria provided, single submitter. Criteria: Invitae Variant Classification Sherloc (09022015). Collection method: clinical testing. Allele origin: germline.
Comment: This sequence change replaces aspartic acid with histidine at codon 412 of the BBS10 protein (p.Asp412His). The aspartic acid residue is weakly conserved and there is a moderate physicochemical difference between aspartic acid and histidine. This variant is not present in population databases (ExAC no frequency). This variant has not been reported in the literature in individuals affected with BBS10-related conditions. Algorithms developed to predict the effect of missense changes on protein structure and function output the following: SIFT: "Tolerated"; PolyPhen-2: "Benign"; Align-GVGD: "Class C0". The histidine amino acid residue is found in multiple mammalian species, which suggests that this missense change does not adversely affect protein function. In summary, the available evidence is currently insufficient to determine the role of this variant in disease. Therefore, it has been classified as a Variant of Uncertain Significance.

Natera, Inc.
Classification: Uncertain significance for Bardet-Biedl syndrome type 10. Last evaluated: 2019-11-11. Review status: no assertion criteria provided. Collection method: clinical testing. Allele origin: germline. Not counted in ClinVar's aggregate classification.

NM_024685.4(BBS10):c.1234G>C (p.Asp412His)

Gene: BBS10 (Bardet-Biedl syndrome 10; minus strand). Cytogenetic location: 12q21.2.
Variant type: single nucleotide variant.
Coding change: c.1234G>C on transcript NM_024685.4 (MANE Select); coding-DNA position 1234, G replaced by C.
Protein change: p.Asp412His; replaces aspartic acid 412 with histidine.
Molecular consequence: missense variant.
Genome position (GRCh38, 1-based): chr12:76,346,751, C>G on the plus strand (G>C on the coding strand, the complement: BBS10 is on the minus strand). VCF-style: chr12-76346751-C-G. GRCh37 (hg19) VCF-style: chr12-76740531-C-G.
Other names: short protein forms D412H.
Identifiers: ClinVar variation 1020117 (VCV001020117.7), dbSNP rs1413288461, ClinGen allele CA385812105.